The following is an entry in ClinVar:

NM_001385026.1(PEAK1):c.4358A>G (p.Lys1453Arg)

Gene: PEAK1 (pseudopodium enriched atypical kinase 1; minus strand). Cytogenetic location: 15q24.3.
Variant type: single nucleotide variant.
Coding change: c.4358A>G on transcript NM_001385026.1 (MANE Select); coding-DNA position 4358, A replaced by G.
Protein change: p.Lys1453Arg; replaces lysine 1453 with arginine.
Molecular consequence: missense variant.
Genome position (GRCh38, 1-based): chr15:77,115,039, T>C on the plus strand (A>G on the coding strand, the complement: PEAK1 is on the minus strand). VCF-style: chr15-77115039-T-C. GRCh37 (hg19) VCF-style: chr15-77407381-T-C.
Other names: c.4358A>G, p.Lys1453Arg (NM_001387085.1, NM_001387086.1, NM_024776.5); short protein forms K1453R.
Identifiers: ClinVar variation 3051318 (VCV003051318.3), dbSNP rs199501538, ClinGen allele CA7676617.
Genomic context (GRCh38, chr15:77,115,039, plus strand): 5'-TCAGCCACAGTAAGACATGGAACCTCCCTGGTGATGACCACAACGTGGCTCCTCTGCTTC[T>C]TGCTCATGACTCCCTGATTCTCTTTCTGGGATGATGCTGCTTCAGAACAGGGCTTTGGGT-3'
Protein context (NP_001371955.1, residues 1443-1463): SQKENQGVMS[Lys1453Arg]KQRSHVVVIT

ClinVar aggregate classification (germline): Likely benign. Review status: criteria provided, single submitter (1 of 4 stars). 2 submissions from 2 submitters: Likely benign (1). 1 of the submissions does not count toward it. Last evaluated 2025-10-07.

Conditions:
PEAK1-related disorder. Also called: PEAK1-related condition.

Allele frequency attached by ClinVar (database versions not stated): gnomAD 0.00061; 1000 Genomes Project 0.00080; TOPMed 0.00057; 1000 Genomes Project 30x 0.00078; gnomAD exomes 0.00017; ExAC 0.00047; ESP Exome Variant Server 0.00048.
gnomAD v4.1: 360 of 1,614,144 alleles (0.022%); highest among the groups gnomAD compares: African/African-American, 0.13%; 1 homozygote.

Submissions (2):

Ambry Genetics
Classification: Likely benign. Last evaluated: 2025-10-07. Review status: criteria provided, single submitter. Criteria: Ambry Variant Classification Scheme 2023. Collection method: clinical testing. Allele origin: germline.

PreventionGenetics, part of Exact Sciences
Classification: Likely benign for PEAK1-related condition. Last evaluated: 2020-01-28. Review status: no assertion criteria provided. Collection method: clinical testing. Allele origin: germline. Not counted in ClinVar's aggregate classification.
Comment: This variant is classified as likely benign based on ACMG/AMP sequence variant interpretation guidelines (Richards et al. 2015 PMID: 25741868, with internal and published modifications).